The following is an entry in ClinVar:

ClinVar aggregate classification (germline): Uncertain significance (1 of 4 stars; one submission).

Conditions:
Osteogenesis imperfecta type I (OI1). Also called: Lobstein's Disease; Osteogenesis imperfecta type 1; Lobstein disease; OI, TYPE I; OSTEOGENESIS IMPERFECTA TARDA; OSTEOGENESIS IMPERFECTA WITH BLUE SCLERAE. Identifiers: Orphanet 216796, Orphanet 666, MedGen C0023931, MONDO:0008146, OMIM 166200. Disease mechanism: loss of function.

Submission:

Labcorp Genetics (formerly Invitae), Labcorp
Classification: Uncertain significance for Osteogenesis imperfecta type I. Last evaluated: 2022-09-23. Review status: criteria provided, single submitter. Criteria: Invitae Variant Classification Sherloc (09022015). Collection method: clinical testing. Allele origin: germline.
Comment: This sequence change replaces histidine, which is basic and polar, with leucine, which is neutral and non-polar, at codon 48 of the COL1A1 protein (p.His48Leu). This variant is not present in population databases (gnomAD no frequency). This variant has not been reported in the literature in individuals affected with COL1A1-related conditions. Advanced modeling of protein sequence and biophysical properties (such as structural, functional, and spatial information, amino acid conservation, physicochemical variation, residue mobility, and thermodynamic stability) performed at Invitae indicates that this missense variant is not expected to disrupt COL1A1 protein function. In summary, the available evidence is currently insufficient to determine the role of this variant in disease. Therefore, it has been classified as a Variant of Uncertain Significance.

NM_000088.4(COL1A1):c.143A>T (p.His48Leu)

Gene: COL1A1 (collagen type I alpha 1 chain; minus strand). Cytogenetic location: 17q21.33.
Variant type: single nucleotide variant.
Coding change: c.143A>T on transcript NM_000088.4 (MANE Select); coding-DNA position 143, A replaced by T.
Protein change: p.His48Leu; replaces histidine 48 with leucine.
Molecular consequence: missense variant.
Genome position (GRCh38, 1-based): chr17:50,199,908, T>A on the plus strand (A>T on the coding strand, the complement: COL1A1 is on the minus strand). VCF-style: chr17-50199908-T-A. GRCh37 (hg19) VCF-style: chr17-48277269-T-A.
Other names: short protein forms H48L.
Identifiers: ClinVar variation 1720146 (VCV001720146.6), dbSNP rs1273874412, ClinGen allele CA400228596.